The following is an entry in ClinVar:

NM_000059.4(BRCA2):c.906dup (p.Ser303fs)

Gene: BRCA2 (BRCA2 DNA repair associated; plus strand). Cytogenetic location: 13q13.1.
Variant type: Duplication.
Coding change: c.906dup on transcript NM_000059.4 (MANE Select); coding-DNA position 906, one base duplicated (C; older notation c.906dupC).
Protein change: p.Ser303fs; shifts the reading frame from serine 303.
Molecular consequence: frameshift variant.
Genome position (GRCh38, 1-based): chr13:32,332,384, C duplicated; the last of 2 consecutive C bases (chr13:32,332,383-32,332,384); duplicating either gives the same sequence. VCF-style (leftmost placement, unchanged base first): chr13-32332382-A-AC. GRCh37 (hg19) VCF-style: chr13-32906519-A-AC.
Other names: c.906dupC (NM_000059.3); c.906dup, p.Ser303Leufs (NM_001406719.1, NM_001406720.1, NM_001406721.1); short protein forms S303fs.
Identifiers: ClinVar variation 1765659 (VCV001765659.6), dbSNP rs397508033, ClinGen allele CA2580087161.

ClinVar aggregate classification (germline): Pathogenic/Likely pathogenic. Review status: criteria provided, multiple submitters, no conflicts (2 of 4 stars). 3 submissions from 3 submitters: Pathogenic (2); Likely pathogenic (1). Last evaluated 2025-02-03.

Conditions:
Hereditary cancer-predisposing syndrome. Also called: Neoplastic Syndromes, Hereditary; Tumor predisposition; Hereditary Cancer Syndrome; Hereditary neoplastic syndrome. Identifiers: Orphanet 140162, MedGen C0027672, MeSH D009386, MONDO:0015356.
Familial cancer of breast. Also called: hereditary breast carcinoma; BREAST CANCER, FAMILIAL; Hereditary breast cancer. Identifiers: Orphanet 227535, MedGen C0346153, MONDO:0016419, OMIM 114480. Disease mechanism: loss of function.
Hereditary breast ovarian cancer syndrome. Also called: Hereditary breast and ovarian cancer; Hereditary breast and ovarian cancer syndrome (HBOC); BRCA1- and BRCA2-Associated Hereditary Breast and Ovarian Cancer; Breast and ovarian cancer; Hereditary breast and/or ovarian cancer syndrome; Hereditary breast and ovarian cancer syndrome. Identifiers: Orphanet 145, MedGen C0677776, MeSH D061325, MONDO:0003582. Disease mechanism: loss of function.

Submissions (3):

Ambry Genetics
Classification: Pathogenic for Hereditary cancer-predisposing syndrome. Last evaluated: 2025-02-03. Review status: criteria provided, single submitter. Criteria: Ambry Variant Classification Scheme 2023. Collection method: clinical testing. Allele origin: germline.
Comment: The c.906dupC variant, located in coding exon 9 of the BRCA2 gene, results from a duplication of C at nucleotide position 906, causing a translational frameshift with a predicted alternate stop codon (p.S303Lfs*2). This variant is considered to be rare based on population cohorts in the Genome Aggregation Database (gnomAD). This alteration is expected to result in loss of function by premature protein truncation or nonsense-mediated mRNA decay. As such, this alteration is interpreted as a disease-causing mutation.

Labcorp Genetics (formerly Invitae), Labcorp
Classification: Pathogenic for Hereditary breast ovarian cancer syndrome. Last evaluated: 2024-12-08. Review status: criteria provided, single submitter. Criteria: Invitae Variant Classification Sherloc (09022015). Collection method: clinical testing. Allele origin: germline.
Comment: This sequence change creates a premature translational stop signal (p.Ser303Leufs*2) in the BRCA2 gene. It is expected to result in an absent or disrupted protein product. Loss-of-function variants in BRCA2 are known to be pathogenic (PMID: 20104584). This variant is not present in population databases (gnomAD no frequency). This variant has not been reported in the literature in individuals affected with BRCA2-related conditions. ClinVar contains an entry for this variant (Variation ID: 1765659). For these reasons, this variant has been classified as Pathogenic.

Baylor Genetics
Classification: Likely pathogenic for Familial cancer of breast. Last evaluated: 2021-04-11. Review status: criteria provided, single submitter. Criteria: ACMG Guidelines, 2015. Collection method: clinical testing. Allele origin: unknown.

Literature cited by the submitters: PubMed 20104584 (cited by Labcorp Genetics (formerly Invitae), Labcorp).